The following is an entry in ClinVar:

ClinVar aggregate classification (germline): Uncertain significance (1 of 4 stars; one submission).

Conditions:
Combined immunodeficiency due to MALT1 deficiency. Also called: Immunodeficiency 12. Identifiers: Orphanet 397964, MedGen C3809583, MONDO:0014197, OMIM 615468.

Allele frequency attached by ClinVar (database versions not stated): ExAC 0.00001; gnomAD exomes 0.00001 and 0.00003; gnomAD 0.00002; TOPMed 0.00002.
gnomAD v4.1: 23 of 1,613,682 alleles (0.0014%); highest among the groups gnomAD compares: Non-Finnish European, 0.00025%; no homozygotes.

Submission:

Labcorp Genetics (formerly Invitae), Labcorp
Classification: Uncertain significance for Combined immunodeficiency due to MALT1 deficiency. Last evaluated: 2022-04-18. Review status: criteria provided, single submitter. Criteria: Invitae Variant Classification Sherloc (09022015). Collection method: clinical testing. Allele origin: germline.
Comment: This sequence change replaces leucine, which is neutral and non-polar, with valine, which is neutral and non-polar, at codon 477 of the MALT1 protein (p.Leu477Val). This variant is present in population databases (rs756679089, gnomAD 0.06%). This variant has not been reported in the literature in individuals affected with MALT1-related conditions. ClinVar contains an entry for this variant (Variation ID: 541506). Algorithms developed to predict the effect of missense changes on protein structure and function (SIFT, PolyPhen-2, Align-GVGD) all suggest that this variant is likely to be tolerated. In summary, the available evidence is currently insufficient to determine the role of this variant in disease. Therefore, it has been classified as a Variant of Uncertain Significance.

NM_006785.4(MALT1):c.1429T>G (p.Leu477Val)

Gene: MALT1 (MALT1 paracaspase; plus strand). Cytogenetic location: 18q21.32.
Variant type: single nucleotide variant.
Coding change: c.1429T>G on transcript NM_006785.4 (MANE Select); coding-DNA position 1429, T replaced by G.
Protein change: p.Leu477Val; replaces leucine 477 with valine.
Molecular consequence: missense variant.
Genome position (GRCh38, 1-based): chr18:58,734,335, T>G. VCF-style: chr18-58734335-T-G. GRCh37 (hg19) VCF-style: chr18-56401567-T-G.
Other names: c.1429T>G, p.Leu477Val (LRG_1221t1); c.1396T>G, p.Leu466Val (NM_173844.3); short protein forms L477V, L466V.
Identifiers: ClinVar variation 541506 (VCV000541506.7), dbSNP rs756679089, ClinGen allele CA8977910.